The following is an entry in ClinVar:

NM_001371986.1(UNC80):c.3019C>T (p.Arg1007Cys)

Gene: UNC80 (unc-80 subunit of NALCN channel complex; plus strand). Cytogenetic location: 2q34.
Variant type: single nucleotide variant.
Coding change: c.3019C>T on transcript NM_001371986.1 (MANE Select); coding-DNA position 3019, C replaced by T.
Protein change: p.Arg1007Cys; replaces arginine 1007 with cysteine.
Molecular consequence: missense variant.
Genome position (GRCh38, 1-based): chr2:209,834,988, C>T. VCF-style: chr2-209834988-C-T. GRCh37 (hg19) VCF-style: chr2-210699712-C-T.
Other names: c.3019C>T, p.Arg1007Cys (NM_032504.2); c.3004C>T, p.Arg1002Cys (NM_182587.4); short protein forms R1007C, R1002C.
Identifiers: ClinVar variation 1364550 (VCV001364550.7), dbSNP rs1337125361, ClinGen allele CA350411978.

ClinVar aggregate classification (germline): Uncertain significance. Review status: criteria provided, multiple submitters, no conflicts (2 of 4 stars). 2 submissions from 2 submitters: Uncertain significance (2). Last evaluated 2023-10-05.

Allele frequency attached by ClinVar (database versions not stated): TOPMed 0.00001.
gnomAD v4.1: 4 of 1,550,688 alleles (0.00026%); highest among the groups gnomAD compares: South Asian, 0.0024%; no homozygotes.

Submissions (2):

Blueprint Genetics
Classification: Uncertain significance. Last evaluated: 2023-10-05. Review status: criteria provided, single submitter. Criteria: ACMG Guidelines, 2015. Collection method: clinical testing. Allele origin: germline.

Labcorp Genetics (formerly Invitae), Labcorp
Classification: Uncertain significance. Last evaluated: 2022-02-09. Review status: criteria provided, single submitter. Criteria: Invitae Variant Classification Sherloc (09022015). Collection method: clinical testing. Allele origin: germline.
Comment: In summary, the available evidence is currently insufficient to determine the role of this variant in disease. Therefore, it has been classified as a Variant of Uncertain Significance. Algorithms developed to predict the effect of missense changes on protein structure and function are either unavailable or do not agree on the potential impact of this missense change (SIFT: "Not Available"; PolyPhen-2: "Probably Damaging"; Align-GVGD: "Not Available"). This variant has not been reported in the literature in individuals affected with UNC80-related conditions. This variant is present in population databases (no rsID available, gnomAD 0.004%). This sequence change replaces arginine, which is basic and polar, with cysteine, which is neutral and slightly polar, at codon 1007 of the UNC80 protein (p.Arg1007Cys).